The following is an entry in ClinVar:

ClinVar aggregate classification (germline): Conflicting classifications of pathogenicity. Review status: criteria provided, conflicting classifications (1 of 4 stars). 5 submissions from 5 submitters: Uncertain significance (1); Likely benign (4). Last evaluated 2026-06-01.

Conditions:
Symmetrical dyschromatosis of extremities (DSH). Also called: DYSCHROMATOSIS SYMMETRICA HEREDITARIA 1; RETICULATE ACROPIGMENTATION OF DOHI; SYMMETRIC DYSCHROMATOSIS OF THE EXTREMITIES; Dyschromatosis symmetrica hereditaria. Identifiers: Orphanet 41, MedGen C0406775, MONDO:0007483, OMIM 127400.
Aicardi-Goutieres syndrome 6 (AGS6). Identifiers: Orphanet 51, MedGen C3539013, MONDO:0014007, OMIM 615010.

Allele frequency attached by ClinVar (database versions not stated): gnomAD exomes 0.00002 and 0.00011; ExAC 0.00003; gnomAD 0.00008 and 0.00009; TOPMed 0.00008; ESP Exome Variant Server 0.00023.
gnomAD v4.1: 173 of 1,614,104 alleles (0.011%); highest among the groups gnomAD compares: Non-Finnish European, 0.014%; no homozygotes.

Submissions (5):

Women's Health and Genetics/Laboratory Corporation of America, LabCorp
Classification: Likely benign. Last evaluated: 2026-06-01. Review status: criteria provided, single submitter. Criteria: LabCorp Variant Classification Summary - May 2015. Collection method: clinical testing. Allele origin: germline.

Labcorp Genetics (formerly Invitae), Labcorp
Classification: Likely benign for Aicardi-Goutieres syndrome 6; Symmetrical dyschromatosis of extremities. Last evaluated: 2026-01-02. Review status: criteria provided, single submitter. Criteria: Invitae Variant Classification Sherloc (09022015). Collection method: clinical testing. Allele origin: germline.

Blueprint Genetics
Classification: Likely benign. Last evaluated: 2024-10-22. Review status: criteria provided, single submitter. Criteria: ACMG Guidelines, 2015. Collection method: clinical testing. Allele origin: germline.

CeGaT Center for Human Genetics Tuebingen
Classification: Likely benign. Last evaluated: 2023-02-01. Review status: criteria provided, single submitter. Criteria: CeGaT Center For Human Genetics Tuebingen Variant Classification Criteria Version 2. Collection method: clinical testing. Allele origin: germline. Affected: yes. Observed: 2 variant alleles.
Comment: ADAR: BP4, BP7

Illumina Laboratory Services, Illumina
Classification: Uncertain significance for Symmetrical dyschromatosis of extremities. Last evaluated: 2018-01-12. Review status: criteria provided, single submitter. Criteria: ICSL Variant Classification Criteria 13 December 2019. Collection method: clinical testing. Allele origin: germline.

NM_001111.5(ADAR):c.1392T>C (p.Asn464=)

Gene: ADAR (adenosine deaminase RNA specific; minus strand). Cytogenetic location: 1q21.3.
Variant type: single nucleotide variant.
Coding change: c.1392T>C on transcript NM_001111.5 (MANE Select); coding-DNA position 1392, T replaced by C.
Protein change: p.Asn464=; no amino-acid change (asparagine 464 retained).
Molecular consequence: synonymous variant.
Genome position (GRCh38, 1-based): chr1:154,601,250, A>G on the plus strand (T>C on the coding strand, the complement: ADAR is on the minus strand). VCF-style: chr1-154601250-A-G. GRCh37 (hg19) VCF-style: chr1-154573726-A-G.
Other names: c.507T>C, p.Asn169= (NM_001025107.3, NM_001193495.2, NM_001365046.1 and 3 more transcripts); c.1419T>C, p.Asn473= (NM_001365045.1); c.1392T>C, p.Asn464= (NM_015840.4, NM_015841.4).
Identifiers: ClinVar variation 874510 (VCV000874510.41), dbSNP rs370763473, ClinGen allele CA1131556.
Genomic context (GRCh38, chr1:154,601,250, plus strand): 5'-ACTGTAGAAGGAGGGCATCTCCATGATGGCTCGAAACTCACCTGGTGCTGCGCGGATACT[A>G]TTCAAGTCATCTGGGATGTCATCTGTGGCCCACTGGCCATTTTCAAAGTCAACATACCCT-3'
Protein context (NP_001102.3, residues 454-474): WATDDIPDDL[Asn464=]SIRAAPGEFR